The following is an entry in ClinVar:

ClinVar aggregate classification (germline): Uncertain significance (1 of 4 stars; one submission).

Conditions:
Cardiovascular phenotype. Identifiers: MedGen CN230736.
Hereditary cancer-predisposing syndrome. Also called: Neoplastic Syndromes, Hereditary; Tumor predisposition; Hereditary neoplastic syndrome; Hereditary Cancer Syndrome. Identifiers: Orphanet 140162, MedGen C0027672, MeSH D009386, MONDO:0015356.

Submission:

Ambry Genetics
Classification: Uncertain significance for Cardiovascular phenotype; Hereditary cancer-predisposing syndrome. Last evaluated: 2025-06-12. Review status: criteria provided, single submitter. Criteria: Ambry Variant Classification Scheme 2023. Collection method: clinical testing. Allele origin: germline.
Comment: The p.L2017S variant (also known as c.6050T>C), located in coding exon 40 of the NF1 gene, results from a T to C substitution at nucleotide position 6050. The leucine at codon 2017 is replaced by serine, an amino acid with dissimilar properties. This amino acid position is highly conserved in available vertebrate species. In addition, this alteration is predicted to be deleterious by in silico analysis. Based on the available evidence, the clinical significance of this variant remains unclear.

NM_001042492.3(NF1):c.6113T>C (p.Leu2038Ser)

Gene: NF1 (neurofibromin 1; plus strand). Cytogenetic location: 17q11.2.
Variant type: single nucleotide variant.
Coding change: c.6113T>C on transcript NM_001042492.3 (MANE Select); coding-DNA position 6113, T replaced by C.
Protein change: p.Leu2038Ser; replaces leucine 2038 with serine.
Molecular consequence: missense variant.
Genome position (GRCh38, 1-based): chr17:31,336,439, T>C. VCF-style: chr17-31336439-T-C. GRCh37 (hg19) VCF-style: chr17-29663457-T-C.
Other names: c.6050T>C, p.Leu2017Ser (NM_000267.4); short protein forms L2017S, L2038S.
Identifiers: ClinVar variation 4034782 (VCV004034782.1).